The following is an entry in ClinVar:

ClinVar aggregate classification (germline): Uncertain significance (1 of 4 stars; one submission).

Conditions:
Hereditary insensitivity to pain with anhidrosis (CIPA). Also called: NEUROPATHY, CONGENITAL SENSORY, WITH ANHIDROSIS; NTRK1 Congenital Insensitivity to Pain with Anhidrosis; hereditary sensory and autonomic neuropathy type 4; INSENSITIVITY TO PAIN, CONGENITAL, WITH ANHIDROSIS; FAMILIAL DYSAUTONOMIA, TYPE II; HSAN Type IV. Identifiers: Orphanet 642, MedGen C0020074, MONDO:0009746, OMIM 256800.

Submission:

Labcorp Genetics (formerly Invitae), Labcorp
Classification: Uncertain significance for Hereditary insensitivity to pain with anhidrosis. Last evaluated: 2022-07-12. Review status: criteria provided, single submitter. Criteria: Invitae Variant Classification Sherloc (09022015). Collection method: clinical testing. Allele origin: germline.
Comment: In summary, the available evidence is currently insufficient to determine the role of this variant in disease. Therefore, it has been classified as a Variant of Uncertain Significance. Advanced modeling of protein sequence and biophysical properties (such as structural, functional, and spatial information, amino acid conservation, physicochemical variation, residue mobility, and thermodynamic stability) performed at Invitae indicates that this missense variant is not expected to disrupt NTRK1 protein function. ClinVar contains an entry for this variant (Variation ID: 1360147). This variant has not been reported in the literature in individuals affected with NTRK1-related conditions. This variant is not present in population databases (gnomAD no frequency). This sequence change replaces glutamine, which is neutral and polar, with lysine, which is basic and polar, at codon 764 of the NTRK1 protein (p.Gln764Lys).

NM_002529.4(NTRK1):c.2308C>A (p.Gln770Lys)

Gene: NTRK1 (neurotrophic receptor tyrosine kinase 1; plus strand). Cytogenetic location: 1q23.1.
Variant type: single nucleotide variant.
Coding change: c.2308C>A on transcript NM_002529.4 (MANE Select); coding-DNA position 2308, C replaced by A.
Protein change: p.Gln770Lys; replaces glutamine 770 with lysine.
Molecular consequence: missense variant.
Genome position (GRCh38, 1-based): chr1:156,881,559, C>A. VCF-style: chr1-156881559-C-A. GRCh37 (hg19) VCF-style: chr1-156851351-C-A.
Other names: c.2200C>A, p.Gln734Lys (NM_001007792.1); c.2290C>A, p.Gln764Lys (NM_001012331.2); short protein forms Q734K, Q764K, Q770K.
Identifiers: ClinVar variation 1360147 (VCV001360147.8), dbSNP rs764816792, ClinGen allele CA342941654.